The following is an entry in ClinVar:

ClinVar aggregate classification (germline): Pathogenic (1 of 4 stars; one submission).

Submission:

ISCA site 4
Classification: Pathogenic. Last evaluated: 2011-08-12. Review status: criteria provided, single submitter. Criteria: Kaminsky et al. (Genet Med. 2011). Collection method: clinical testing. Allele origin: unknown. Affected: yes. Observed: 1 variant allele.
Comment: Copy number variation identified through the course of routine clinical cytogenomic testing in postnatal populations. Clinical assertions have been curated as described in Kaminsky et al. 2011.

GRCh38/hg38 8p23.1(chr8:8222339-12383643)x1

Genes: FAM167A (family with sequence similarity 167 member A), FAM167A-AS1 (FAM167A antisense RNA 1), FAM66A (family with sequence similarity 66 member A), FAM66D (family with sequence similarity 66 member D), FAM85A (family with sequence similarity 85 member A) and 207 more. Cytogenetic location: 8p23.1.
Variant type: copy number loss.
Change: copy number 1 (one copy instead of two) of chr8:8,222,339-12,383,643 (4.16 Mb, GRCh38 coordinates, 1-based), cytogenetic band 8p23.1.
Identifiers: ClinVar variation 57060 (VCV000057060.1).